The following is an entry in ClinVar:

ClinVar aggregate classification (germline): Uncertain significance (1 of 4 stars; one submission).

Submission:

GeneDx
Classification: Uncertain significance. Last evaluated: 2022-05-05. Review status: criteria provided, single submitter. Criteria: GeneDx Variant Classification Process June 2021. Collection method: clinical testing. Allele origin: germline. Affected: yes.
Comment: Located in an alternate transcript of the gene; Not observed at significant frequency in large population cohorts (gnomAD); In silico analysis supports that this missense variant does not alter protein structure/function; Has not been previously published as pathogenic or benign to our knowledge

NM_001330078.2(NRXN1):c.3365-109804T>C

Gene: NRXN1 (neurexin 1; minus strand). Cytogenetic location: 2p16.3.
Variant type: single nucleotide variant.
Coding change: c.3365-109804T>C on transcript NM_001330078.2 (MANE Select); 109804 bases into the intron before coding-DNA position 3365, T replaced by C.
Molecular consequence: intron variant. On other transcripts: missense variant (4).
Genome position (GRCh38, 1-based): chr2:50,346,774, A>G on the plus strand (T>C on the coding strand, the complement: NRXN1 is on the minus strand). VCF-style: chr2-50346774-A-G. GRCh37 (hg19) VCF-style: chr2-50573912-A-G.
Other names: c.176T>C, p.Ile59Thr (NM_001330091.2, NM_001330092.2, NM_001330097.2 and 1 more transcripts); c.3254-109804T>C (NM_001330096.2, NM_001330087.2); c.3299-109804T>C (NM_001330083.2, NM_001330084.2); c.3284-109804T>C (NM_001330088.2); c.3362-109804T>C (NM_001330093.2); c.3353-109804T>C (NM_001330094.2); c.3314-109804T>C (NM_001330095.2); c.3341-109804T>C (NM_001330082.2, NM_001330077.2); and 3 more; short protein forms I59T.
Identifiers: ClinVar variation 1723095 (VCV001723095.2), dbSNP rs779909293, ClinGen allele CA346820409.